The following is an entry in ClinVar:

NM_021930.6(RINT1):c.1364C>A (p.Ser455Tyr)

Gene: RINT1 (RAD50 interactor 1; plus strand). Cytogenetic location: 7q22.3.
Variant type: single nucleotide variant.
Coding change: c.1364C>A on transcript NM_021930.6 (MANE Select); coding-DNA position 1364, C replaced by A.
Protein change: p.Ser455Tyr; replaces serine 455 with tyrosine.
Molecular consequence: missense variant. On other transcripts: non-coding transcript variant (1).
Genome position (GRCh38, 1-based): chr7:105,551,600, C>A. VCF-style: chr7-105551600-C-A. GRCh37 (hg19) VCF-style: chr7-105192047-C-A.
Other names: c.1130C>A, p.Ser377Tyr (NM_001346599.2); c.341C>A, p.Ser114Tyr (NM_001346600.2, NM_001346603.2); c.440C>A, p.Ser147Tyr (NM_001346601.2); short protein forms S114Y, S147Y, S377Y, S455Y.
Identifiers: ClinVar variation 3433629 (VCV003433629.1).

ClinVar aggregate classification (germline): Uncertain significance (1 of 4 stars; one submission).

Submission:

Ambry Genetics
Classification: Uncertain significance. Last evaluated: 2024-10-11. Review status: criteria provided, single submitter. Criteria: Ambry Variant Classification Scheme 2023. Collection method: clinical testing. Allele origin: germline.
Comment: The p.S455Y variant (also known as c.1364C>A), located in coding exon 10 of the RINT1 gene, results from a C to A substitution at nucleotide position 1364. The serine at codon 455 is replaced by tyrosine, an amino acid with dissimilar properties. This amino acid position is highly conserved in available vertebrate species. In addition, the in silico prediction for this alteration is inconclusive. The evidence for this gene-disease relationship is limited; therefore, the clinical significance of this alteration is unclear.